The following is an entry in ClinVar:

NM_004415.4(DSP):c.7215C>T (p.Leu2405=)

Gene: DSP (desmoplakin; plus strand). Cytogenetic location: 6p24.3.
Variant type: single nucleotide variant.
Coding change: c.7215C>T on transcript NM_004415.4 (MANE Select); coding-DNA position 7215, C replaced by T.
Protein change: p.Leu2405=; no amino-acid change (leucine 2405 retained).
Molecular consequence: synonymous variant.
Genome position (GRCh38, 1-based): chr6:7,584,477, C>T. VCF-style: chr6-7584477-C-T. GRCh37 (hg19) VCF-style: chr6-7584710-C-T.
Other names: c.5418C>T, p.Leu1806= (NM_001008844.3); c.5886C>T, p.Leu1962= (NM_001319034.2).
Identifiers: ClinVar variation 766568 (VCV000766568.12), dbSNP rs191226040, ClinGen allele CA049312.
Genomic context (GRCh38, chr6:7,584,477, plus strand): 5'-TTTACCAGTTGACATAGCATATAAGAGGGGCTATTTCAATGAGGAACTCAGTGAGATTCT[C>T]TCAGATCCAAGTGATGATACCAAAGGATTTTTTGACCCCAACACTGAAGAAAATCTTACC-3'
Protein context (NP_004406.2, residues 2395-2415): GYFNEELSEI[Leu2405=]SDPSDDTKGF

ClinVar aggregate classification (germline): Likely benign. Review status: criteria provided, multiple submitters, no conflicts (2 of 4 stars). 4 submissions from 4 submitters: Likely benign (4). Last evaluated 2026-01-20.

Conditions:
Arrhythmogenic cardiomyopathy with wooly hair and keratoderma. Also called: Arrhythmogenic cardiomyopathy with woolly hair and keratoderma; Carvajal syndrome; Dilated cardiomyopathy with woolly hair and keratoderma; PALMOPLANTAR KERATODERMA WITH LEFT VENTRICULAR CARDIOMYOPATHY AND WOOLLY HAIR. Identifiers: Orphanet 65282, MedGen C1854063, MONDO:0011581, OMIM 605676.
Cardiovascular phenotype. Identifiers: MedGen CN230736.
Arrhythmogenic right ventricular dysplasia 8 (ARVD8). Also called: Arrhythmogenic Right Ventricular Dysplasia/Cardiomyopathy 8; ARRHYTHMOGENIC RIGHT VENTRICULAR DYSPLASIA, FAMILIAL, 8; ARRHYTHMOGENIC RIGHT VENTRICULAR CARDIOMYOPATHY 8. Identifiers: MedGen C1843896, MONDO:0011831, OMIM 607450.
Cardiomyopathy (CMYO). Also called: Cardiomyopathies. Identifiers: Orphanet 167848, MedGen C0878544, MONDO:0004994, HP:0001638. Inheritance: Various modes of inheritance.

Allele frequency attached by ClinVar (database versions not stated): gnomAD 0.00001 and 0.00002; gnomAD exomes 0.00001; ExAC 0.00002; TOPMed 0.00003; 1000 Genomes Project 30x 0.00016; 1000 Genomes Project 0.00020.
gnomAD v4.1: 26 of 1,614,170 alleles (0.0016%); highest among the groups gnomAD compares: East Asian, 0.0022%; no homozygotes.

Submissions (4):

Labcorp Genetics (formerly Invitae), Labcorp
Classification: Likely benign for Arrhythmogenic cardiomyopathy with wooly hair and keratoderma; Arrhythmogenic right ventricular dysplasia 8. Last evaluated: 2026-01-20. Review status: criteria provided, single submitter. Criteria: Invitae Variant Classification Sherloc (09022015). Collection method: clinical testing. Allele origin: germline.

All of Us Research Program, National Institutes of Health
Classification: Likely benign for Arrhythmogenic cardiomyopathy with wooly hair and keratoderma. Last evaluated: 2023-09-17. Review status: criteria provided, single submitter. Criteria: ACMG Guidelines, 2015. Collection method: clinical testing. Allele origin: germline. Inheritance: Autosomal dominant inheritance. Observed: 6 variant alleles, 6 heterozygotes.
Comment: This study involves interpretation of variants in research participants for the purpose of population health screening. Participant phenotype was not available at the time of variant classification. Additional details can be found in publication PMID: 35346344, PMCID: PMC8962531

Color Diagnostics, LLC DBA Color Health
Classification: Likely benign for Cardiomyopathy. Last evaluated: 2022-11-06. Review status: criteria provided, single submitter. Criteria: ACMG Guidelines, 2015. Collection method: clinical testing. Allele origin: germline.

Ambry Genetics
Classification: Likely benign for Cardiovascular phenotype. Last evaluated: 2018-08-04. Review status: criteria provided, single submitter. Criteria: Ambry Variant Classification Scheme 2023. Collection method: clinical testing. Allele origin: germline.